The following is an entry in ClinVar:

ClinVar aggregate classification (germline): Uncertain significance (1 of 4 stars; one submission).

Allele frequency attached by ClinVar (database versions not stated): ExAC 0.00001; gnomAD exomes 0.00002.
gnomAD v4.1: 11 of 1,613,736 alleles (0.00068%); highest among the groups gnomAD compares: South Asian, 0.011%; no homozygotes.

Submission:

Labcorp Genetics (formerly Invitae), Labcorp
Classification: Uncertain significance. Last evaluated: 2022-03-10. Review status: criteria provided, single submitter. Criteria: Invitae Variant Classification Sherloc (09022015). Collection method: clinical testing. Allele origin: germline.
Comment: This sequence change replaces proline, which is neutral and non-polar, with alanine, which is neutral and non-polar, at codon 323 of the ZNF408 protein (p.Pro323Ala). In summary, the available evidence is currently insufficient to determine the role of this variant in disease. Therefore, it has been classified as a Variant of Uncertain Significance. Algorithms developed to predict the effect of missense changes on protein structure and function (SIFT, PolyPhen-2, Align-GVGD) all suggest that this variant is likely to be tolerated. This variant has not been reported in the literature in individuals affected with ZNF408-related conditions. This variant is present in population databases (rs753831885, gnomAD 0.01%).

NM_024741.3(ZNF408):c.967C>G (p.Pro323Ala)

Gene: ZNF408 (zinc finger protein 408; plus strand). Cytogenetic location: 11p11.2.
Variant type: single nucleotide variant.
Coding change: c.967C>G on transcript NM_024741.3 (MANE Select); coding-DNA position 967, C replaced by G.
Protein change: p.Pro323Ala; replaces proline 323 with alanine.
Molecular consequence: missense variant.
Genome position (GRCh38, 1-based): chr11:46,704,667, C>G. VCF-style: chr11-46704667-C-G. GRCh37 (hg19) VCF-style: chr11-46726217-C-G.
Other names: c.943C>G, p.Pro315Ala (NM_001184751.2); short protein forms P315A, P323A.
Identifiers: ClinVar variation 1507536 (VCV001507536.8), dbSNP rs753831885, ClinGen allele CA5966463.